The following is an entry in ClinVar:

ClinVar aggregate classification (germline): Uncertain significance (1 of 4 stars; one submission).

Conditions:
Inborn genetic diseases. Identifiers: MedGen C0950123, MeSH D030342.

Submission:

Ambry Genetics
Classification: Uncertain significance for Inborn genetic diseases. Last evaluated: 2026-05-12. Review status: criteria provided, single submitter. Criteria: Ambry Variant Classification Scheme 2023. Collection method: clinical testing. Allele origin: germline.
Comment: The p.L311F variant (also known as c.933A>C), located in coding exon 4 of the WT1 gene, results from an A to C substitution at nucleotide position 933. The leucine at codon 311 is replaced by phenylalanine, an amino acid with highly similar properties. This amino acid position is highly conserved in available vertebrate species. In addition, the in silico prediction for this alteration is inconclusive. Based on the available evidence, the clinical significance of this variant remains unclear.

NM_024426.6(WT1):c.948A>C (p.Leu316Phe)

Gene: WT1 (WT1 transcription factor; minus strand). Cytogenetic location: 11p13.
Variant type: single nucleotide variant.
Coding change: c.948A>C on transcript NM_024426.6 (MANE Select); coding-DNA position 948, A replaced by C.
Protein change: p.Leu316Phe; replaces leucine 316 with phenylalanine.
Molecular consequence: missense variant. On other transcripts: non-coding transcript variant (2).
Genome position (GRCh38, 1-based): chr11:32,417,594, T>G on the plus strand (A>C on the coding strand, the complement: WT1 is on the minus strand). VCF-style: chr11-32417594-T-G. GRCh37 (hg19) VCF-style: chr11-32439140-T-G.
Other names: c.948A>C, p.Leu316Phe (NM_000378.6, NM_001407044.1, NM_001407045.1 and 4 more transcripts); c.297A>C, p.Leu99Phe (NM_001198551.2, NM_001198552.2); c.825A>C, p.Leu275Phe (NM_001407047.1, NM_001407050.1); c.186A>C, p.Leu62Phe (NM_001407051.1); c.729A>C, p.Leu243Phe (NM_001429031.1, NM_001429032.1, NM_001429033.1 and 1 more transcripts); short protein forms L243F, L275F, L311F, L316F, L62F, L99F.
Identifiers: ClinVar variation 4866810 (VCV004866810.1).